The following is an entry in ClinVar:

NM_018975.4(TERF2IP):c.845A>G (p.Asp282Gly)

Gene: TERF2IP (TERF2 interacting protein; plus strand). Cytogenetic location: 16q23.1.
Variant type: single nucleotide variant.
Coding change: c.845A>G on transcript NM_018975.4 (MANE Select); coding-DNA position 845, A replaced by G.
Protein change: p.Asp282Gly; replaces aspartic acid 282 with glycine.
Molecular consequence: missense variant. On other transcripts: non-coding transcript variant (1).
Genome position (GRCh38, 1-based): chr16:75,656,256, A>G. VCF-style: chr16-75656256-A-G. GRCh37 (hg19) VCF-style: chr16-75690154-A-G.
Other names: short protein forms D282G.
Identifiers: ClinVar variation 4749244 (VCV004749244.1).

ClinVar aggregate classification (germline): Uncertain significance (1 of 4 stars; one submission).

Submission:

Labcorp Genetics (formerly Invitae), Labcorp
Classification: Uncertain significance. Last evaluated: 2025-04-17. Review status: criteria provided, single submitter. Criteria: Invitae Variant Classification Sherloc (09022015). Collection method: clinical testing. Allele origin: germline.
Comment: This sequence change replaces aspartic acid, which is acidic and polar, with glycine, which is neutral and non-polar, at codon 282 of the TERF2IP protein (p.Asp282Gly). This variant is present in population databases (rs201149846, gnomAD 0.002%). This variant has not been reported in the literature in individuals affected with TERF2IP-related conditions. An algorithm developed to predict the effect of missense changes on protein structure and function outputs the following: PolyPhen-2: "Benign". The glycine amino acid residue is found in multiple mammalian species, which suggests that this missense change does not adversely affect protein function. In summary, the available evidence is currently insufficient to determine the role of this variant in disease. Therefore, it has been classified as a Variant of Uncertain Significance.